The following is an entry in ClinVar:

NM_001009944.3(PKD1):c.6680A>C (p.His2227Pro)

Gene: PKD1 (polycystin 1, transient receptor potential channel interacting; minus strand). Cytogenetic location: 16p13.3.
Variant type: single nucleotide variant.
Coding change: c.6680A>C on transcript NM_001009944.3 (MANE Select); coding-DNA position 6680, A replaced by C.
Protein change: p.His2227Pro; replaces histidine 2227 with proline.
Molecular consequence: missense variant.
Genome position (GRCh38, 1-based): chr16:2,108,487, T>G on the plus strand (A>C on the coding strand, the complement: PKD1 is on the minus strand). VCF-style: chr16-2108487-T-G. GRCh37 (hg19) VCF-style: chr16-2158488-T-G.
Other names: c.6680A>C, p.His2227Pro (NM_000296.4); short protein forms H2227P.
Identifiers: ClinVar variation 3030085 (VCV003030085.2), dbSNP rs766836544, ClinGen allele CA394373105.

ClinVar aggregate classification (germline): Uncertain significance (0 of 4 stars; one submission).

Conditions:
PKD1-related disorder. Also called: PKD1-related condition.

Submission:

PreventionGenetics, part of Exact Sciences
Classification: Uncertain significance for PKD1-related condition. Last evaluated: 2023-12-04. Review status: no assertion criteria provided. Collection method: clinical testing. Allele origin: germline.
Comment: The PKD1 c.6680A>C variant is predicted to result in the amino acid substitution p.His2227Pro. To our knowledge, this variant has not been reported in the literature or in a large population database, indicating this variant is rare. Of note, different substitutions at the same codon have been reported in individuals with autosomal dominant polycystic kidney disease (ADPKD) (p.His2227Leu with a frameshift PKD1 variant in Patient 654 at Fujimaru et al. 2018. PubMed ID: 29520754, Suppl. Table S2; p.His2227Gln in Yu et al. 2022. PubMed ID: 35778421, classified as a variant of uncertain significance in Supplementary Table 2). At this time, the clinical significance of the p.His2227Pro variant in this patient is uncertain due to the absence of conclusive functional and genetic evidence.